The following is an entry in ClinVar:

NM_013447.4(ADGRE2):c.1084G>A (p.Glu362Lys)

Gene: ADGRE2 (adhesion G protein-coupled receptor E2; minus strand). Cytogenetic location: 19p13.12.
Variant type: single nucleotide variant.
Coding change: c.1084G>A on transcript NM_013447.4 (MANE Select); coding-DNA position 1084, G replaced by A.
Protein change: p.Glu362Lys; replaces glutamic acid 362 with lysine.
Molecular consequence: missense variant.
Genome position (GRCh38, 1-based): chr19:14,764,433, C>T on the plus strand (G>A on the coding strand, the complement: ADGRE2 is on the minus strand). VCF-style: chr19-14764433-C-T. GRCh37 (hg19) VCF-style: chr19-14875245-C-T.
Other names: c.1084G>A, p.Glu362Lys (NM_001271052.1); c.937G>A, p.Glu313Lys (NM_152916.2); c.805G>A, p.Glu269Lys (NM_152917.2); short protein forms E269K, E313K, E362K.
Identifiers: ClinVar variation 4773172 (VCV004773172.1).
Genomic context (GRCh38, chr19:14,764,433, plus strand): 5'-GGAAAGGAAGGAGACAGAAAACATGCAGAGCTGGAGTCTGGGGCAGACCCAGGGACCTAC[C>T]TGTGCCTGCAGGATAACTGAAGTTCAACAGCCCATTGGAAAGGTTCTTGCTCAGGCCTCT-3'
Protein context (NP_038475.2, residues 352-372): LLNFSYPAGT[Glu362Lys]LSLEVQKQVD

ClinVar aggregate classification (germline): Uncertain significance (1 of 4 stars; one submission).

Submission:

Labcorp Genetics (formerly Invitae), Labcorp
Classification: Uncertain significance. Last evaluated: 2025-08-11. Review status: criteria provided, single submitter. Criteria: Invitae Variant Classification Sherloc (09022015). Collection method: clinical testing. Allele origin: germline.
Comment: This sequence change replaces glutamic acid, which is acidic and polar, with lysine, which is basic and polar, at codon 362 of the ADGRE2 protein (p.Glu362Lys). This variant also falls at the last nucleotide of exon 11, which is part of the consensus splice site for this exon. This variant is not present in population databases (gnomAD no frequency). This variant has not been reported in the literature in individuals affected with ADGRE2-related conditions. An algorithm developed to predict the effect of missense changes on protein structure and function (PolyPhen-2) suggests that this variant is likely to be tolerated. Variants that disrupt the consensus splice site are a relatively common cause of aberrant splicing (PMID: 17576681, 9536098). In summary, the available evidence is currently insufficient to determine the role of this variant in disease. Therefore, it has been classified as a Variant of Uncertain Significance.

Literature cited by the submitters: PubMed 17576681; PubMed 9536098.